The following is an entry in ClinVar:

ClinVar aggregate classification (germline): Likely benign. Review status: criteria provided, multiple submitters, no conflicts (2 of 4 stars). 4 submissions from 4 submitters: Likely benign (4). Last evaluated 2025-11-17.

Conditions:
Junctional epidermolysis bullosa with pyloric atresia. Also called: APLASIA CUTIS CONGENITA WITH GASTROINTESTINAL ATRESIA; EPIDERMOLYSIS BULLOSA, JUNCTIONAL 5B, WITH PYLORIC ATRESIA; Epidermolysis bullosa, junctional, with pyloric atresia and aplasia cutis congenita; Epidermolysis bullosa junctionalis with pyloric atresia; Junctional Epidermolysis Bullosa- Pyloric Atresia Syndrome; EB-PA-ACC. Identifiers: Orphanet 79403, MedGen C5676875, MONDO:0009183, OMIM 226730.
ITGA6-related disorder. Also called: ITGA6-related condition.

Allele frequency attached by ClinVar (database versions not stated): gnomAD exomes 0.00021 and 0.00041; ExAC 0.00061; 1000 Genomes Project 30x 0.00094; 1000 Genomes Project 0.00100; gnomAD 0.00133 and 0.00142; TOPMed 0.00143; ESP Exome Variant Server 0.00192.
gnomAD v4.1: 517 of 1,612,040 alleles (0.032%); highest among the groups gnomAD compares: African/African-American, 0.37%; 1 homozygote.

Submissions (4):

Labcorp Genetics (formerly Invitae), Labcorp
Classification: Likely benign. Last evaluated: 2025-11-17. Review status: criteria provided, single submitter. Criteria: Invitae Variant Classification Sherloc (09022015). Collection method: clinical testing. Allele origin: germline.

PreventionGenetics, part of Exact Sciences
Classification: Likely benign for ITGA6-related condition. Last evaluated: 2024-10-18. Review status: criteria provided, single submitter. Criteria: ACMG Guidelines, 2015. Collection method: clinical testing. Allele origin: germline.
Comment: This variant is classified as likely benign based on ACMG/AMP sequence variant interpretation guidelines (Richards et al. 2015 PMID: 25741868, with internal and published modifications).

Illumina Laboratory Services, Illumina
Classification: Likely benign for Junctional epidermolysis bullosa with pyloric atresia. Last evaluated: 2018-01-13. Review status: criteria provided, single submitter. Criteria: ICSL Variant Classification Criteria 13 December 2019. Collection method: clinical testing. Allele origin: germline.
Comment: This variant was observed in the ICSL laboratory as part of a predisposition screen in an ostensibly healthy population. It had not been previously curated by ICSL or reported in the Human Gene Mutation Database (HGMD: prior to June 1st, 2018), and was therefore a candidate for classification through an automated scoring system. Utilizing variant allele frequency, disease prevalence and penetrance estimates, and inheritance mode, an automated score was calculated to assess if this variant is too frequent to cause the disease. Based on the score and internal cut-off values, a variant classified as likely benign is not then subjected to further curation. The score for this variant resulted in a classification of likely benign for this disease.

Breakthrough Genomics
Classification: Likely benign. Review status: criteria provided, single submitter. Criteria: ACMG Guidelines, 2015. Collection method: not provided. Allele origin: germline. Inheritance: Autosomal recessive inheritance. Affected: yes.

NM_000210.4(ITGA6):c.2858G>A (p.Arg953His)

Genes: ITGA6 (integrin subunit alpha 6; plus strand), PDK1-AS1 (PDK1 and ITGA6 antisense RNA 1; minus strand). Cytogenetic location: 2q31.1.
Variant type: single nucleotide variant.
Coding change: c.2858G>A on transcript NM_000210.4 (MANE Select); coding-DNA position 2858, G replaced by A.
Protein change: p.Arg953His; replaces arginine 953 with histidine.
Molecular consequence: missense variant.
Genome position (GRCh38, 1-based): chr2:172,491,300, G>A. VCF-style: chr2-172491300-G-A. GRCh37 (hg19) VCF-style: chr2-173356028-G-A.
Other names: c.2858G>A, p.Arg953His (NM_001079818.3); c.2501G>A, p.Arg834His (NM_001316306.2); c.2813G>A, p.Arg938His (NM_001365529.2, NM_001365530.2); short protein forms R953H, R834H, R938H.
Identifiers: ClinVar variation 332383 (VCV000332383.15), dbSNP rs150695902, ClinGen allele CA1968517.